The following is an entry in ClinVar:

ClinVar aggregate classification (germline): Uncertain significance (1 of 4 stars; one submission).

Submission:

Labcorp Genetics (formerly Invitae), Labcorp
Classification: Uncertain significance. Last evaluated: 2022-11-01. Review status: criteria provided, single submitter. Criteria: Invitae Variant Classification Sherloc (09022015). Collection method: clinical testing. Allele origin: germline.
Comment: This sequence change replaces valine, which is neutral and non-polar, with isoleucine, which is neutral and non-polar, at codon 224 of the NCSTN protein (p.Val224Ile). This variant is not present in population databases (gnomAD no frequency). This variant has not been reported in the literature in individuals affected with NCSTN-related conditions. ClinVar contains an entry for this variant (Variation ID: 1485236). Advanced modeling of protein sequence and biophysical properties (such as structural, functional, and spatial information, amino acid conservation, physicochemical variation, residue mobility, and thermodynamic stability) performed at Invitae indicates that this missense variant is expected to disrupt NCSTN protein function. In summary, the available evidence is currently insufficient to determine the role of this variant in disease. Therefore, it has been classified as a Variant of Uncertain Significance.

NM_015331.3(NCSTN):c.670G>A (p.Val224Ile)

Gene: NCSTN (nicastrin; plus strand). Cytogenetic location: 1q23.2.
Variant type: single nucleotide variant.
Coding change: c.670G>A on transcript NM_015331.3 (MANE Select); coding-DNA position 670, G replaced by A.
Protein change: p.Val224Ile; replaces valine 224 with isoleucine.
Molecular consequence: missense variant. On other transcripts: intron variant (1).
Genome position (GRCh38, 1-based): chr1:160,351,309, G>A. VCF-style: chr1-160351309-G-A. GRCh37 (hg19) VCF-style: chr1-160321099-G-A.
Other names: c.610G>A, p.Val204Ile (NM_001290184.2); c.670G>A, p.Val224Ile (NM_001349729.2); c.582+1059G>A (NM_001290186.2); short protein forms V224I, V204I.
Identifiers: ClinVar variation 1485236 (VCV001485236.8), dbSNP rs2101901770, ClinGen allele CA343278683.